The following is an entry in ClinVar:

ClinVar aggregate classification (germline): Benign/Likely benign. Review status: criteria provided, multiple submitters, no conflicts (2 of 4 stars). 3 submissions from 3 submitters: Benign (1); Likely benign (2). Last evaluated 2024-07-01.

Conditions:
Hereditary cancer-predisposing syndrome. Also called: Hereditary neoplastic syndrome; Hereditary Cancer Syndrome; Tumor predisposition; Neoplastic Syndromes, Hereditary. Identifiers: Orphanet 140162, MedGen C0027672, MeSH D009386, MONDO:0015356.
Oligodontia-cancer predisposition syndrome. Also called: TOOTH AGENESIS-COLORECTAL CANCER SYNDROME. Identifiers: Orphanet 300576, MedGen C1837750, MONDO:0012075, OMIM 608615. Disease mechanism: loss of function.

gnomAD v4.1: 1 of 1,614,104 alleles (0.000062%); highest among the groups gnomAD compares: Non-Finnish European, 0.000085%; no homozygotes.

Submissions (3):

Myriad Genetics, Inc.
Classification: Benign for Oligodontia-cancer predisposition syndrome. Last evaluated: 2024-07-01. Review status: criteria provided, single submitter. Criteria: Myriad Autosomal Dominant, Autosomal Recessive and X-Linked Classification Criteria (2023). Collection method: clinical testing. Allele origin: unknown.
Comment: This variant is considered benign. This variant is a silent/synonymous amino acid change and it is not expected to impact splicing.

Labcorp Genetics (formerly Invitae), Labcorp
Classification: Likely benign for Oligodontia-cancer predisposition syndrome. Last evaluated: 2023-05-19. Review status: criteria provided, single submitter. Criteria: Invitae Variant Classification Sherloc (09022015). Collection method: clinical testing. Allele origin: germline.

Ambry Genetics
Classification: Likely benign for Hereditary cancer-predisposing syndrome. Last evaluated: 2021-07-12. Review status: criteria provided, single submitter. Criteria: Ambry Variant Classification Scheme 2023. Collection method: clinical testing. Allele origin: germline.

NM_004655.4(AXIN2):c.1107C>T (p.Thr369=)

Gene: AXIN2 (axin 2; minus strand). Cytogenetic location: 17q24.1.
Variant type: single nucleotide variant.
Coding change: c.1107C>T on transcript NM_004655.4 (MANE Select); coding-DNA position 1107, C replaced by T.
Protein change: p.Thr369=; no amino-acid change (threonine 369 retained).
Molecular consequence: synonymous variant.
Genome position (GRCh38, 1-based): chr17:65,538,296, G>A on the plus strand (C>T on the coding strand, the complement: AXIN2 is on the minus strand). VCF-style: chr17-65538296-G-A. GRCh37 (hg19) VCF-style: chr17-63534414-G-A.
Other names: c.1107C>T, p.Thr369= (NM_001363813.1).
Identifiers: ClinVar variation 1138813 (VCV001138813.12), dbSNP rs1177671049, ClinGen allele CA501476364.